The following is an entry in ClinVar:

NM_000497.4(CYP11B1):c.928G>T (p.Glu310Ter)

Genes: CYP11B1 (cytochrome P450 family 11 subfamily B member 1; minus strand), LOC106799833 (CYP11B1 recombination region; plus strand). Cytogenetic location: 8q24.3.
Variant type: single nucleotide variant.
Coding change: c.928G>T on transcript NM_000497.4 (MANE Select); coding-DNA position 928, G replaced by T.
Protein change: p.Glu310Ter; replaces glutamic acid 310 with a stop codon.
Molecular consequence: nonsense.
Genome position (GRCh38, 1-based): chr8:142,876,267, C>A on the plus strand (G>T on the coding strand, the complement: CYP11B1 is on the minus strand). VCF-style: chr8-142876267-C-A. GRCh37 (hg19) VCF-style: chr8-143957683-C-A.
Other names: c.928G>T, p.Glu310Ter (NM_001026213.1); short protein forms E310*.
Identifiers: ClinVar variation 5015294 (VCV005015294.1).

ClinVar aggregate classification (germline): Pathogenic (1 of 4 stars; one submission).

Conditions:
Deficiency of steroid 11-beta-monooxygenase (CYP11B1). Also called: ADRENAL HYPERPLASIA, CONGENITAL, DUE TO STEROID 11-BETA-HYDROXYLASE DEFICIENCY; 11-BETA-HYDROXYLASE DEFICIENCY; ADRENAL HYPERPLASIA IV; P450C11B1 DEFICIENCY; STEROID 11-BETA-HYDROXYLASE DEFICIENCY; Congenital adrenal hyperplasia due to 11-beta-hydroxylase deficiency. Identifiers: Orphanet 90795, MedGen C0268292, MONDO:0008729, OMIM 202010. Disease mechanism: loss of function.

Submission:

Myriad Genetics, Inc.
Classification: Pathogenic for Deficiency of steroid 11-beta-monooxygenase. Last evaluated: 2025-12-06. Review status: criteria provided, single submitter. Criteria: Myriad Autosomal Dominant, Autosomal Recessive and X-Linked Classification Criteria (2023). Collection method: clinical testing. Allele origin: unknown.
Comment: NM_000497.3(CYP11B1):c.928G>T(E310*) is expected to be pathogenic in the context of congenital adrenal hyperplasia, CYP11B1-related. This variant is predicted to lead to an abnormal or absent protein product due to the creation of a premature termination codon in CYP11B1, a gene where loss-of-function variants are known to be pathogenic. Please note: this variant was assessed in the context of healthy population screening.